The following is an entry in ClinVar:

ClinVar aggregate classification (germline): Uncertain significance. Review status: criteria provided, multiple submitters, no conflicts (2 of 4 stars). 2 submissions from 2 submitters: Uncertain significance (2). Last evaluated 2025-03-23.

Allele frequency attached by ClinVar (database versions not stated): ExAC 0.00001; gnomAD 0.00006; TOPMed 0.00008.
gnomAD v4.1: 16 of 1,579,654 alleles (0.001%); highest among the groups gnomAD compares: African/African-American, 0.021%; no homozygotes.

Submissions (2):

Ambry Genetics
Classification: Uncertain significance. Last evaluated: 2025-03-23. Review status: criteria provided, single submitter. Criteria: Ambry Variant Classification Scheme 2023. Collection method: clinical testing. Allele origin: germline.

Labcorp Genetics (formerly Invitae), Labcorp
Classification: Uncertain significance. Last evaluated: 2024-07-19. Review status: criteria provided, single submitter. Criteria: Invitae Variant Classification Sherloc (09022015). Collection method: clinical testing. Allele origin: germline.
Comment: This sequence change replaces asparagine, which is neutral and polar, with threonine, which is neutral and polar, at codon 66 of the SPPL2A protein (p.Asn66Thr). This variant is present in population databases (rs757777106, gnomAD 0.009%). This variant has not been reported in the literature in individuals affected with SPPL2A-related conditions. ClinVar contains an entry for this variant (Variation ID: 1951853). An algorithm developed to predict the effect of missense changes on protein structure and function (PolyPhen-2) suggests that this variant is likely to be disruptive. In summary, the available evidence is currently insufficient to determine the role of this variant in disease. Therefore, it has been classified as a Variant of Uncertain Significance.

NM_032802.4(SPPL2A):c.197A>C (p.Asn66Thr)

Gene: SPPL2A (signal peptide peptidase like 2A; minus strand). Cytogenetic location: 15q21.2.
Variant type: single nucleotide variant.
Coding change: c.197A>C on transcript NM_032802.4 (MANE Select); coding-DNA position 197, A replaced by C.
Protein change: p.Asn66Thr; replaces asparagine 66 with threonine.
Molecular consequence: missense variant.
Genome position (GRCh38, 1-based): chr15:50,748,851, T>G on the plus strand (A>C on the coding strand, the complement: SPPL2A is on the minus strand). VCF-style: chr15-50748851-T-G. GRCh37 (hg19) VCF-style: chr15-51041048-T-G.
Other names: c.197A>C (NM_032802.3); short protein forms N66T.
Identifiers: ClinVar variation 1951853 (VCV001951853.6), dbSNP rs757777106, ClinGen allele CA7558549.
Genomic context (GRCh38, chr15:50,748,851, plus strand): 5'-TTGCTCTTTATGCCAACAGGAGGAATATCAGAAAGGTTGCATAGTGGTGTGGAAGTCAGA[T>G]TCATCAAACTAATGGAAGTCTGAAAATAAGAAATGTCTTTTTAACATGTTAAAAATCTAT-3'
Protein context (NP_116191.2, residues 56-76): LENATSISLM[Asn66Thr]LTSTPLCNLS